The following is an entry in ClinVar:

ClinVar aggregate classification (germline): Uncertain significance (1 of 4 stars; one submission).

Conditions:
Axenfeld-Rieger syndrome type 3 (RIEG3). Also called: AXENFELD-RIEGER ANOMALY WITH CARDIAC DEFECTS AND/OR SENSORINEURAL HEARING LOSS. Identifiers: Orphanet 782, MedGen C2678503, MONDO:0011233, OMIM 602482.

Submission:

Labcorp Genetics (formerly Invitae), Labcorp
Classification: Uncertain significance for Axenfeld-Rieger syndrome type 3. Last evaluated: 2026-02-01. Review status: criteria provided, single submitter. Criteria: Invitae Variant Classification Sherloc (09022015). Collection method: clinical testing. Allele origin: germline.
Comment: This sequence change replaces asparagine, which is neutral and polar, with serine, which is neutral and polar, at codon 212 of the FOXC1 protein (p.Asn212Ser). This variant is not present in population databases (gnomAD no frequency). This variant has not been reported in the literature in individuals affected with FOXC1-related conditions. An algorithm developed to predict the effect of missense changes on protein structure and function outputs the following: PolyPhen-2: "Benign". The serine amino acid residue is found in multiple mammalian species, which suggests that this missense change does not adversely affect protein function. In summary, the available evidence is currently insufficient to determine the role of this variant in disease. Therefore, it has been classified as a Variant of Uncertain Significance.

NM_001453.3(FOXC1):c.635A>G (p.Asn212Ser)

Gene: FOXC1 (forkhead box C1; plus strand). Cytogenetic location: 6p25.3.
Variant type: single nucleotide variant.
Coding change: c.635A>G on transcript NM_001453.3 (MANE Select); coding-DNA position 635, A replaced by G.
Protein change: p.Asn212Ser; replaces asparagine 212 with serine.
Molecular consequence: missense variant.
Genome position (GRCh38, 1-based): chr6:1,611,080, A>G. VCF-style: chr6-1611080-A-G. GRCh37 (hg19) VCF-style: chr6-1611315-A-G.
Other names: short protein forms N212S.
Identifiers: ClinVar variation 4811714 (VCV004811714.1).